The following is an entry in ClinVar:

ClinVar aggregate classification (germline): Uncertain significance. Review status: criteria provided, multiple submitters, no conflicts (2 of 4 stars). 2 submissions from 2 submitters: Uncertain significance (2). Last evaluated 2023-02-07.

Conditions:
Compton-North congenital myopathy (CMYO12). Identifiers: Orphanet 210163, MedGen C2675527, MONDO:0012929, OMIM 612540.
Inborn genetic diseases. Identifiers: MedGen C0950123, MeSH D030342.

Submissions (2):

Ambry Genetics
Classification: Uncertain significance for Inborn genetic diseases. Last evaluated: 2023-02-07. Review status: criteria provided, single submitter. Criteria: Ambry Variant Classification Scheme 2023. Collection method: clinical testing. Allele origin: germline.

Labcorp Genetics (formerly Invitae), Labcorp
Classification: Uncertain significance for Compton-North congenital myopathy. Last evaluated: 2022-03-08. Review status: criteria provided, single submitter. Criteria: Invitae Variant Classification Sherloc (09022015). Collection method: clinical testing. Allele origin: germline.
Comment: In summary, the available evidence is currently insufficient to determine the role of this variant in disease. Therefore, it has been classified as a Variant of Uncertain Significance. Advanced modeling of protein sequence and biophysical properties (such as structural, functional, and spatial information, amino acid conservation, physicochemical variation, residue mobility, and thermodynamic stability) performed at Invitae indicates that this missense variant is not expected to disrupt CNTN1 protein function. This variant has not been reported in the literature in individuals affected with CNTN1-related conditions. This variant is not present in population databases (gnomAD no frequency). This sequence change replaces valine, which is neutral and non-polar, with alanine, which is neutral and non-polar, at codon 94 of the CNTN1 protein (p.Val94Ala).

NM_001843.4(CNTN1):c.281T>C (p.Val94Ala)

Gene: CNTN1 (contactin 1; plus strand). Cytogenetic location: 12q12.
Variant type: single nucleotide variant.
Coding change: c.281T>C on transcript NM_001843.4 (MANE Select); coding-DNA position 281, T replaced by C.
Protein change: p.Val94Ala; replaces valine 94 with alanine.
Molecular consequence: missense variant.
Genome position (GRCh38, 1-based): chr12:40,922,309, T>C. VCF-style: chr12-40922309-T-C. GRCh37 (hg19) VCF-style: chr12-41316111-T-C.
Other names: c.281T>C (NM_001843.2); c.281T>C, p.Val94Ala (NM_001256063.2, NM_001256064.2); c.248T>C, p.Val83Ala (NM_175038.2); short protein forms V94A, V83A.
Identifiers: ClinVar variation 2179956 (VCV002179956.6), dbSNP rs370912650, ClinGen allele CA235389308.